The following is an entry in ClinVar:

NM_152328.5(ADSS1):c.736C>G (p.Pro246Ala)

Gene: ADSS1 (adenylosuccinate synthase 1; plus strand). Cytogenetic location: 14q32.33.
Variant type: single nucleotide variant.
Coding change: c.736C>G on transcript NM_152328.5 (MANE Select); coding-DNA position 736, C replaced by G.
Protein change: p.Pro246Ala; replaces proline 246 with alanine.
Molecular consequence: missense variant.
Genome position (GRCh38, 1-based): chr14:104,741,186, C>G. VCF-style: chr14-104741186-C-G. GRCh37 (hg19) VCF-style: chr14-105207523-C-G.
Other names: c.121C>G, p.Pro41Ala (NM_001320424.1); c.865C>G, p.Pro289Ala (NM_199165.2); c.865C>G (NM_199165.1); short protein forms P246A, P289A, P41A.
Identifiers: ClinVar variation 1681961 (VCV001681961.8), dbSNP rs199620010, ClinGen allele CA7373829.

ClinVar aggregate classification (germline): Uncertain significance. Review status: criteria provided, multiple submitters, no conflicts (2 of 4 stars). 2 submissions from 2 submitters: Uncertain significance (2). Last evaluated 2025-09-25.

Conditions:
Inborn genetic diseases. Identifiers: MedGen C0950123, MeSH D030342.

Allele frequency attached by ClinVar (database versions not stated): gnomAD 0.00021 and 0.00020; 1000 Genomes Project 30x 0.00031; gnomAD exomes 0.00005; 1000 Genomes Project 0.00040; TOPMed 0.00017; ESP Exome Variant Server 0.00031; ExAC 0.00012.

Submissions (2):

Ambry Genetics
Classification: Uncertain significance for Inborn genetic diseases. Last evaluated: 2025-09-25. Review status: criteria provided, single submitter. Criteria: Ambry Variant Classification Scheme 2023. Collection method: clinical testing. Allele origin: germline.

Labcorp Genetics (formerly Invitae), Labcorp
Classification: Uncertain significance. Last evaluated: 2023-12-11. Review status: criteria provided, single submitter. Criteria: Invitae Variant Classification Sherloc (09022015). Collection method: clinical testing. Allele origin: germline.
Comment: This sequence change replaces proline, which is neutral and non-polar, with alanine, which is neutral and non-polar, at codon 289 of the ADSSL1 protein (p.Pro289Ala). This variant is present in population databases (rs199620010, gnomAD 0.1%). This variant has not been reported in the literature in individuals affected with ADSSL1-related conditions. ClinVar contains an entry for this variant (Variation ID: 1681961). Algorithms developed to predict the effect of missense changes on protein structure and function output the following: SIFT: "Not Available"; PolyPhen-2: "Benign"; Align-GVGD: "Not Available". The alanine amino acid residue is found in multiple mammalian species, which suggests that this missense change does not adversely affect protein function. In summary, the available evidence is currently insufficient to determine the role of this variant in disease. Therefore, it has been classified as a Variant of Uncertain Significance.